The following is an entry in ClinVar:

ClinVar aggregate classification (germline): Likely benign. Review status: criteria provided, multiple submitters, no conflicts (2 of 4 stars). 2 submissions from 2 submitters: Likely benign (2). Last evaluated 2026-01-21.

Conditions:
DOCK2 deficiency. Also called: Immunodeficiency 40. Identifiers: Orphanet 447737, MedGen C4225328, MONDO:0014637, OMIM 616433.

gnomAD v4.1: 8 of 1,614,132 alleles (0.0005%); highest among the groups gnomAD compares: Non-Finnish European, 0.00068%; no homozygotes.

Submissions (2):

Labcorp Genetics (formerly Invitae), Labcorp
Classification: Likely benign for DOCK2 deficiency. Last evaluated: 2026-01-21. Review status: criteria provided, single submitter. Criteria: Invitae Variant Classification Sherloc (09022015). Collection method: clinical testing. Allele origin: germline.

CeGaT Center for Human Genetics Tuebingen
Classification: Likely benign. Last evaluated: 2025-07-01. Review status: criteria provided, single submitter. Criteria: CeGaT Center For Human Genetics Tuebingen Variant Classification Criteria Version 2. Collection method: clinical testing. Allele origin: germline. Affected: yes. Observed: 1 variant allele.
Comment: DOCK2: BP4, BP7

NM_004946.3(DOCK2):c.5445G>T (p.Ser1815=)

Gene: DOCK2 (dedicator of cytokinesis 2; plus strand). Cytogenetic location: 5q35.1.
Variant type: single nucleotide variant.
Coding change: c.5445G>T on transcript NM_004946.3 (MANE Select); coding-DNA position 5445, G replaced by T.
Protein change: p.Ser1815=; no amino-acid change (serine 1815 retained).
Molecular consequence: synonymous variant. On other transcripts: non-coding transcript variant (1).
Genome position (GRCh38, 1-based): chr5:170,082,810, G>T. VCF-style: chr5-170082810-G-T. GRCh37 (hg19) VCF-style: chr5-169509814-G-T.
Identifiers: ClinVar variation 1103458 (VCV001103458.17), dbSNP rs200128185, ClinGen allele CA3554893.